The following is an entry in ClinVar:

NM_024675.4(PALB2):c.854C>A (p.Ser285Ter)

Gene: PALB2 (partner and localizer of BRCA2; minus strand). Cytogenetic location: 16p12.2.
Variant type: single nucleotide variant.
Coding change: c.854C>A on transcript NM_024675.4 (MANE Select); coding-DNA position 854, C replaced by A.
Protein change: p.Ser285Ter; replaces serine 285 with a stop codon.
Molecular consequence: nonsense.
Genome position (GRCh38, 1-based): chr16:23,635,692, G>T on the plus strand (C>A on the coding strand, the complement: PALB2 is on the minus strand). VCF-style: chr16-23635692-G-T. GRCh37 (hg19) VCF-style: chr16-23647013-G-T.
Other names: c.794C>A, p.Ser265Ter (NM_001407296.1); c.854C>A, p.Ser285Ter (NM_001407297.1, NM_001407298.1, NM_001407299.1 and 3 more transcripts); c.-32C>A (NM_001407304.1, NM_001407305.1, NM_001407306.1 and 5 more transcripts); short protein forms S265*, S285*.
Identifiers: ClinVar variation 2431307 (VCV002431307.2), dbSNP rs180177094, ClinGen allele CA395135850.

ClinVar aggregate classification (germline): Pathogenic. Review status: criteria provided, multiple submitters, no conflicts (2 of 4 stars). 2 submissions from 2 submitters: Pathogenic (2). Last evaluated 2025-12-09.

Conditions:
Hereditary cancer-predisposing syndrome. Also called: Neoplastic Syndromes, Hereditary; Hereditary neoplastic syndrome; Hereditary Cancer Syndrome; Tumor predisposition. Identifiers: Orphanet 140162, MedGen C0027672, MeSH D009386, MONDO:0015356.
Familial cancer of breast. Also called: Hereditary breast cancer; BREAST CANCER, FAMILIAL; hereditary breast carcinoma. Identifiers: Orphanet 227535, MedGen C0346153, MONDO:0016419, OMIM 114480. Disease mechanism: loss of function.

Submissions (2):

Ambry Genetics
Classification: Pathogenic for Hereditary cancer-predisposing syndrome. Last evaluated: 2025-12-09. Review status: criteria provided, single submitter. Criteria: Ambry Variant Classification Scheme 2023. Collection method: clinical testing. Allele origin: germline.
Comment: The p.S285* pathogenic mutation (also known as c.854C>A), located in coding exon 4 of the PALB2 gene, results from a C to A substitution at nucleotide position 854. This changes the amino acid from a serine to a stop codon within coding exon 4. This alteration is expected to result in loss of function by premature protein truncation or nonsense-mediated mRNA decay. As such, this alteration is interpreted as a disease-causing mutation.

Myriad Genetics, Inc.
Classification: Pathogenic for Familial cancer of breast. Last evaluated: 2023-01-12. Review status: criteria provided, single submitter. Criteria: Myriad Autosomal Dominant, Autosomal Recessive and X-Linked Classification Criteria (2023). Collection method: clinical testing. Allele origin: unknown.
Comment: This variant is considered pathogenic. This variant creates a termination codon and is predicted to result in premature protein truncation.